The following is an entry in ClinVar:

NM_005045.4(RELN):c.191A>G (p.Asn64Ser)

Gene: RELN (reelin; minus strand). Cytogenetic location: 7q22.1.
Variant type: single nucleotide variant.
Coding change: c.191A>G on transcript NM_005045.4 (MANE Select); coding-DNA position 191, A replaced by G.
Protein change: p.Asn64Ser; replaces asparagine 64 with serine.
Molecular consequence: missense variant.
Genome position (GRCh38, 1-based): chr7:103,989,166, T>C on the plus strand (A>G on the coding strand, the complement: RELN is on the minus strand). VCF-style: chr7-103989166-T-C. GRCh37 (hg19) VCF-style: chr7-103629613-T-C.
Other names: c.191A>G, p.Asn64Ser (NM_173054.3); short protein forms N64S.
Identifiers: ClinVar variation 2944300 (VCV002944300.3), dbSNP rs759805907, ClinGen allele CA4422704.

ClinVar aggregate classification (germline): Uncertain significance (1 of 4 stars; one submission).

Conditions:
Familial temporal lobe epilepsy 7. Identifiers: Orphanet 101046, MedGen C4225327, MONDO:0014639, OMIM 616436.
Norman-Roberts syndrome (LIS2). Also called: Lissencephaly 2 (Norman-Roberts type). Identifiers: Orphanet 89844, MedGen C0796089, MONDO:0009760, OMIM 257320.

Allele frequency attached by ClinVar (database versions not stated): ExAC 0.00001.
gnomAD v4.1: 2 of 1,613,696 alleles (0.00012%); highest among the groups gnomAD compares: Non-Finnish European, 0.000085%; no homozygotes.

Submission:

Labcorp Genetics (formerly Invitae), Labcorp
Classification: Uncertain significance for Familial temporal lobe epilepsy 7; Norman-Roberts syndrome. Last evaluated: 2023-02-14. Review status: criteria provided, single submitter. Criteria: Invitae Variant Classification Sherloc (09022015). Collection method: clinical testing. Allele origin: germline.
Comment: In summary, the available evidence is currently insufficient to determine the role of this variant in disease. Therefore, it has been classified as a Variant of Uncertain Significance. Advanced modeling of protein sequence and biophysical properties (such as structural, functional, and spatial information, amino acid conservation, physicochemical variation, residue mobility, and thermodynamic stability) performed at Invitae indicates that this missense variant is not expected to disrupt RELN protein function. This variant has not been reported in the literature in individuals affected with RELN-related conditions. This variant is present in population databases (rs759805907, gnomAD 0.004%). This sequence change replaces asparagine, which is neutral and polar, with serine, which is neutral and polar, at codon 64 of the RELN protein (p.Asn64Ser).